The following is an entry in ClinVar:

ClinVar aggregate classification (germline): Uncertain significance. Review status: criteria provided, multiple submitters, no conflicts (2 of 4 stars). 2 submissions from 2 submitters: Uncertain significance (2). Last evaluated 2025-07-09.

Submissions (2):

GeneDx
Classification: Uncertain significance. Last evaluated: 2025-07-09. Review status: criteria provided, single submitter. Criteria: GeneDx Variant Classification Process June 2021. Collection method: clinical testing. Allele origin: germline.
Comment: Frameshift variant predicted to result in abnormal protein length as the last 48 amino acids are replaced with 42 different amino acids; Not observed at significant frequency in large population cohorts (gnomAD); Has not been previously published as pathogenic or benign to our knowledge

Labcorp Genetics (formerly Invitae), Labcorp
Classification: Uncertain significance. Last evaluated: 2021-05-10. Review status: criteria provided, single submitter. Criteria: Invitae Variant Classification Sherloc (09022015). Collection method: clinical testing. Allele origin: germline.
Comment: This variant has not been reported in the literature in individuals with SETBP1-related conditions. The frequency data for this variant in the population databases is considered unreliable, as metrics indicate insufficient coverage at this position in the ExAC database. This sequence change creates a premature translational stop signal (p.Arg1549Profs*43) in the SETBP1 gene. While this is not anticipated to result in nonsense mediated decay, it is expected to disrupt the last 48 amino acid(s) of the SETBP1 protein. In summary, the available evidence is currently insufficient to determine the role of this variant in disease. Therefore, it has been classified as a Variant of Uncertain Significance.

NM_015559.3(SETBP1):c.4645dup (p.Arg1549fs)

Gene: SETBP1 (SET binding protein 1; plus strand). Cytogenetic location: 18q12.3.
Variant type: Duplication.
Coding change: c.4645dup on transcript NM_015559.3 (MANE Select); coding-DNA position 4645, one base duplicated (C; older notation c.4645dupC).
Protein change: p.Arg1549fs; shifts the reading frame from arginine 1549.
Molecular consequence: frameshift variant.
Genome position (GRCh38, 1-based): chr18:45,063,552, C duplicated; the last of 6 consecutive C bases (chr18:45,063,547-45,063,552); duplicating any one gives the same sequence. VCF-style (leftmost placement, unchanged base first): chr18-45063546-A-AC. GRCh37 (hg19) VCF-style: chr18-42643511-A-AC.
Other names: c.4645dup, p.Arg1549fs (NM_001379141.1, NM_001379142.1); c.4645dup (NM_015559.2); short protein forms R1549fs.
Identifiers: ClinVar variation 1352785 (VCV001352785.10), dbSNP rs1312164814, ClinGen allele CA2573155334.